The following is an entry in ClinVar:

NM_019023.5(PRMT7):c.1682C>G (p.Ala561Gly)

Gene: PRMT7 (protein arginine methyltransferase 7; plus strand). Cytogenetic location: 16q22.1.
Variant type: single nucleotide variant.
Coding change: c.1682C>G on transcript NM_019023.5 (MANE Select); coding-DNA position 1682, C replaced by G.
Protein change: p.Ala561Gly; replaces alanine 561 with glycine.
Molecular consequence: missense variant. On other transcripts: non-coding transcript variant (12).
Genome position (GRCh38, 1-based): chr16:68,355,754, C>G. VCF-style: chr16-68355754-C-G. GRCh37 (hg19) VCF-style: chr16-68389657-C-G.
Other names: c.1532C>G, p.Ala511Gly (NM_001184824.4); c.1682C>G, p.Ala561Gly (NM_001290018.2, NM_001351143.3, NM_001378018.1); c.1685C>G, p.Ala562Gly (NM_001351144.3); c.1475C>G, p.Ala492Gly (NM_001378020.1); c.1445C>G, p.Ala482Gly (NM_001378021.1, NM_001378022.1, NM_001378023.1); c.1682C>G (NM_019023.2); short protein forms A492G, A561G, A482G, A511G, A562G.
Identifiers: ClinVar variation 1357289 (VCV001357289.9), dbSNP rs201014314, ClinGen allele CA8127610.

ClinVar aggregate classification (germline): Uncertain significance. Review status: criteria provided, multiple submitters, no conflicts (2 of 4 stars). 2 submissions from 2 submitters: Uncertain significance (2). Last evaluated 2023-05-08.

Conditions:
Inborn genetic diseases. Identifiers: MedGen C0950123, MeSH D030342.

Allele frequency attached by ClinVar (database versions not stated): TOPMed 0.00005; ESP Exome Variant Server 0.00008; ExAC 0.00010; gnomAD 0.00010 and 0.00011; gnomAD exomes 0.00011.
gnomAD v4.1: 177 of 1,608,512 alleles (0.011%); highest among the groups gnomAD compares: Non-Finnish European, 0.012%; 1 homozygote.

Submissions (2):

Ambry Genetics
Classification: Uncertain significance for Inborn genetic diseases. Last evaluated: 2023-05-08. Review status: criteria provided, single submitter. Criteria: Ambry Variant Classification Scheme 2023. Collection method: clinical testing. Allele origin: germline.

Labcorp Genetics (formerly Invitae), Labcorp
Classification: Uncertain significance. Last evaluated: 2021-02-10. Review status: criteria provided, single submitter. Criteria: Invitae Variant Classification Sherloc (09022015). Collection method: clinical testing. Allele origin: germline.
Comment: This sequence change replaces alanine with glycine at codon 561 of the PRMT7 protein (p.Ala561Gly). The alanine residue is moderately conserved and there is a small physicochemical difference between alanine and glycine. This variant is present in population databases (rs201014314, ExAC 0.1%). This variant has not been reported in the literature in individuals with PRMT7-related conditions. Algorithms developed to predict the effect of missense changes on protein structure and function are either unavailable or do not agree on the potential impact of this missense change (SIFT: "Tolerated"; PolyPhen-2: "Possibly Damaging"; Align-GVGD: "Class C0"). Algorithms developed to predict the effect of sequence changes on RNA splicing suggest that this variant may create or strengthen a splice site, but this prediction has not been confirmed by published transcriptional studies. In summary, the available evidence is currently insufficient to determine the role of this variant in disease. Therefore, it has been classified as a Variant of Uncertain Significance.